The following is an entry in ClinVar:

ClinVar aggregate classification (germline): Uncertain significance (1 of 4 stars; one submission).

Allele frequency attached by ClinVar (database versions not stated): gnomAD exomes below 0.00001.
gnomAD v4.1: 1 of 1,614,172 alleles (0.000062%); highest among the groups gnomAD compares: African/African-American, 0.0013%; no homozygotes.

Submission:

Labcorp Genetics (formerly Invitae), Labcorp
Classification: Uncertain significance. Last evaluated: 2022-07-25. Review status: criteria provided, single submitter. Criteria: Invitae Variant Classification Sherloc (09022015). Collection method: clinical testing. Allele origin: germline.
Comment: This variant is not present in population databases (gnomAD no frequency). This sequence change replaces glycine, which is neutral and non-polar, with aspartic acid, which is acidic and polar, at codon 291 of the MARS2 protein (p.Gly291Asp). This variant has not been reported in the literature in individuals affected with MARS2-related conditions. ClinVar contains an entry for this variant (Variation ID: 1384340). Algorithms developed to predict the effect of missense changes on protein structure and function are either unavailable or do not agree on the potential impact of this missense change (SIFT: "Tolerated"; PolyPhen-2: "Probably Damaging"; Align-GVGD: "Class C0"). In summary, the available evidence is currently insufficient to determine the role of this variant in disease. Therefore, it has been classified as a Variant of Uncertain Significance.

NM_138395.4(MARS2):c.872G>A (p.Gly291Asp)

Gene: MARS2 (methionyl-tRNA synthetase 2, mitochondrial; plus strand). Cytogenetic location: 2q33.1.
Variant type: single nucleotide variant.
Coding change: c.872G>A on transcript NM_138395.4 (MANE Select); coding-DNA position 872, G replaced by A.
Protein change: p.Gly291Asp; replaces glycine 291 with aspartic acid.
Molecular consequence: missense variant.
Genome position (GRCh38, 1-based): chr2:197,706,277, G>A. VCF-style: chr2-197706277-G-A. GRCh37 (hg19) VCF-style: chr2-198571001-G-A.
Other names: short protein forms G291D.
Identifiers: ClinVar variation 1384340 (VCV001384340.6), dbSNP rs2106292973, ClinGen allele CA350213270.